The following is an entry in ClinVar:

ClinVar aggregate classification (germline): Pathogenic/Likely pathogenic. Review status: criteria provided, multiple submitters, no conflicts (2 of 4 stars). 2 submissions from 2 submitters: Pathogenic (1); Likely pathogenic (1). Last evaluated 2025-03-30.

Conditions:
Neurofibromatosis, type 1 (NF1). Also called: Peripheral type neurofibromatosis; VON RECKLINGHAUSEN DISEASE; Neurofibromatosis, type I; NEUROFIBROMATOSIS, TYPE I, SOMATIC. Identifiers: Orphanet 636, MedGen C0027831, MONDO:0018975, OMIM 162200. Disease mechanism: loss of function.

Submissions (2):

Labcorp Genetics (formerly Invitae), Labcorp
Classification: Pathogenic for Neurofibromatosis, type 1. Last evaluated: 2025-03-30. Review status: criteria provided, single submitter. Criteria: Invitae Variant Classification Sherloc (09022015). Collection method: clinical testing. Allele origin: germline.
Comment: This sequence change affects a donor splice site in intron 10 of the NF1 gene. It is expected to disrupt RNA splicing. Variants that disrupt the donor or acceptor splice site typically lead to a loss of protein function (PMID: 16199547), and loss-of-function variants in NF1 are known to be pathogenic (PMID: 10712197, 23913538). This variant is not present in population databases (gnomAD no frequency). Disruption of this splice site has been observed in individuals with neurofibromatosis type 1 (PMID: 10607834, 16835897, 18546366, 26056819). ClinVar contains an entry for this variant (Variation ID: 840905). Algorithms developed to predict the effect of sequence changes on RNA splicing suggest that this variant may disrupt the consensus splice site. For these reasons, this variant has been classified as Pathogenic.

Neuberg Centre For Genomic Medicine, NCGM
Classification: Likely pathogenic for Neurofibromatosis, type 1. Last evaluated: 2023-07-22. Review status: criteria provided, single submitter. Criteria: ACMG Guidelines, 2015. Collection method: clinical testing. Allele origin: germline. Inheritance: Autosomal dominant inheritance. Affected: yes.
Comment: The observed invariant splice donor c.1185+2T>C variant in NF1 gene has not been previously reported as pathogenic variant nor as a benign variant, to our knowledge. Another splice donor variants on same position [c.1185+2T>A; c.1185+1G>A] has been previously reported in individuals affected with Neurofibromatosis Lee et al., 2006; Zhang et al., 2015; Pros et al., 2008; Fahsold et al., 2000; Riva et al., 2022. The c.1185+2T>C variant is absent in gnomAD Exomes. This variant has been submitted to the ClinVar database as Pathogenic. The SpliceAI predicts a score of 0.87 for this variant. Loss of function variants in NF1 gene have been previously reported to be disease causing Fahsold et al., 2000. Additional functional studies will be required to prove the pathogenicity of this variant. For these reasons, this variant has been classified as Likely Pathogenic.

Literature cited by the submitters: PubMed 16199547 (cited by Labcorp Genetics (formerly Invitae), Labcorp); PubMed 10712197 (cited by Labcorp Genetics (formerly Invitae), Labcorp); PubMed 23913538 (cited by Labcorp Genetics (formerly Invitae), Labcorp); PubMed 10607834 (cited by Labcorp Genetics (formerly Invitae), Labcorp); PubMed 16835897 (cited by Labcorp Genetics (formerly Invitae), Labcorp); PubMed 18546366 (cited by Labcorp Genetics (formerly Invitae), Labcorp); PubMed 26056819 (cited by Labcorp Genetics (formerly Invitae), Labcorp).

NM_001042492.3(NF1):c.1185+2T>C

Gene: NF1 (neurofibromin 1; plus strand). Cytogenetic location: 17q11.2.
Variant type: single nucleotide variant.
Coding change: c.1185+2T>C on transcript NM_001042492.3 (MANE Select); the canonical splice donor site of the intron after coding-DNA position 1185, T replaced by C.
Molecular consequence: splice donor variant.
Genome position (GRCh38, 1-based): chr17:31,201,161, T>C. VCF-style: chr17-31201161-T-C. GRCh37 (hg19) VCF-style: chr17-29528179-T-C.
Other names: c.1185+2T>C (NM_000267.4, NM_001128147.3).
Identifiers: ClinVar variation 840905 (VCV000840905.8), dbSNP rs1555611043, ClinGen allele CA398997366.